The following is an entry in ClinVar:

ClinVar aggregate classification (germline): Uncertain significance (1 of 4 stars; one submission).

gnomAD v4.1: 19 of 1,613,742 alleles (0.0012%); highest among the groups gnomAD compares: Non-Finnish European, 0.0016%; no homozygotes.

Submission:

CeGaT Center for Human Genetics Tuebingen
Classification: Uncertain significance. Last evaluated: 2024-09-01. Review status: criteria provided, single submitter. Criteria: CeGaT Center For Human Genetics Tuebingen Variant Classification Criteria Version 2. Collection method: clinical testing. Allele origin: germline. Affected: yes. Observed: 1 variant allele.
Comment: CLPP: PM2, PP3

NM_006012.4(CLPP):c.343A>T (p.Ile115Phe)

Gene: CLPP (caseinolytic mitochondrial matrix peptidase proteolytic subunit; plus strand). Cytogenetic location: 19p13.3.
Variant type: single nucleotide variant.
Coding change: c.343A>T on transcript NM_006012.4 (MANE Select); coding-DNA position 343, A replaced by T.
Protein change: p.Ile115Phe; replaces isoleucine 115 with phenylalanine.
Molecular consequence: missense variant.
Genome position (GRCh38, 1-based): chr19:6,362,518, A>T. VCF-style: chr19-6362518-A-T. GRCh37 (hg19) VCF-style: chr19-6362529-A-T.
Other names: short protein forms I115F.
Identifiers: ClinVar variation 3388641 (VCV003388641.14).